The following is an entry in ClinVar:

NM_031407.7(HUWE1):c.10721C>G (p.Ser3574Cys)

Gene: HUWE1 (HECT, UBA and WWE domain containing E3 ubiquitin protein ligase 1; minus strand). Cytogenetic location: Xp11.22.
Variant type: single nucleotide variant.
Coding change: c.10721C>G on transcript NM_031407.7 (MANE Select); coding-DNA position 10721, C replaced by G.
Protein change: p.Ser3574Cys; replaces serine 3574 with cysteine.
Molecular consequence: missense variant.
Genome position (GRCh38, 1-based): chrX:53,546,741, G>C on the plus strand (C>G on the coding strand, the complement: HUWE1 is on the minus strand). VCF-style: chrX-53546741-G-C. GRCh37 (hg19) VCF-style: chrX-53573702-G-C.
Other names: short protein forms S3574C.
Identifiers: ClinVar variation 1710682 (VCV001710682.3), dbSNP rs2523027460, ClinGen allele CA413134960.

ClinVar aggregate classification (germline): Uncertain significance. Review status: criteria provided, multiple submitters, no conflicts (2 of 4 stars). 2 submissions from 2 submitters: Uncertain significance (2). Last evaluated 2023-03-24.

Conditions:
Intellectual developmental disorder, X-linked, syndromic, Turner type. Also called: X-linked intellectual disability, Turner type; Intellectual disability, X-linked syndromic, Turner type. Identifiers: Orphanet 3056, Orphanet 85328, MedGen C2678046, MONDO:0010407, OMIM 309590.

Submissions (2):

Illumina Laboratory Services, Illumina
Classification: Uncertain significance for Intellectual developmental disorder, X-linked, syndromic, Turner type. Last evaluated: 2023-03-24. Review status: criteria provided, single submitter. Criteria: ICSLVariantClassificationCriteria RUGD 01 April 2020. Collection method: clinical testing. Allele origin: unknown.
Comment: The HUWE1 c.10721C>G (p.Ser3574Cys) missense variant results in the substitution of serine at amino acid position 3574 with cysteine. To our knowledge, this variant has not been reported in the peer-reviewed literature. This variant is not found in version 2.1.1 or version 3.1.2 of the Genome Aggregation Database. Multiple lines of computational evidence suggest no impact on the gene or gene product. Based on the available evidence, the c.10721C>G (p.Ser3574Cys) variant is classified as a variant of uncertain significance for X-linked syndromic intellectual disability, Turner type.

GeneDx
Classification: Uncertain significance. Last evaluated: 2022-04-14. Review status: criteria provided, single submitter. Criteria: GeneDx Variant Classification Process June 2021. Collection method: clinical testing. Allele origin: germline. Affected: yes.
Comment: Not observed at significant frequency in large population cohorts (gnomAD); In silico analysis supports that this missense variant does not alter protein structure/function; Has not been previously published as pathogenic or benign to our knowledge